The following is an entry in ClinVar:

NM_004036.5(ADCY3):c.1770C>A (p.Leu590=)

Gene: ADCY3 (adenylate cyclase 3; minus strand). Cytogenetic location: 2p23.3.
Variant type: single nucleotide variant.
Coding change: c.1770C>A on transcript NM_004036.5 (MANE Select); coding-DNA position 1770, C replaced by A.
Protein change: p.Leu590=; no amino-acid change (leucine 590 retained).
Molecular consequence: synonymous variant.
Genome position (GRCh38, 1-based): chr2:24,834,829, G>T on the plus strand (C>A on the coding strand, the complement: ADCY3 is on the minus strand). VCF-style: chr2-24834829-G-T. GRCh37 (hg19) VCF-style: chr2-25057698-G-T.
Other names: c.1770C>A, p.Leu590= (NM_001320613.2, NM_001377129.1, NM_001377130.1 and 1 more transcripts); c.1836C>A, p.Leu612= (NM_001377128.1); c.1047C>A, p.Leu349= (NM_001377131.1).
Identifiers: ClinVar variation 3349421 (VCV003349421.1).

ClinVar aggregate classification (germline): Likely benign (0 of 4 stars; one submission).

Conditions:
ADCY3-related disorder. Also called: ADCY3-related condition.

gnomAD v4.1: 8 of 1,613,784 alleles (0.0005%); highest among the groups gnomAD compares: South Asian, 0.0077%; no homozygotes.

Submission:

PreventionGenetics, part of Exact Sciences
Classification: Likely benign for ADCY3-related condition. Last evaluated: 2023-12-19. Review status: no assertion criteria provided. Collection method: clinical testing. Allele origin: germline.
Comment: This variant is classified as likely benign based on ACMG/AMP sequence variant interpretation guidelines (Richards et al. 2015 PMID: 25741868, with internal and published modifications).